The following is an entry in ClinVar:

NM_005477.3(HCN4):c.3533C>T (p.Pro1178Leu)

Gene: HCN4 (hyperpolarization activated cyclic nucleotide gated potassium channel 4; minus strand). Cytogenetic location: 15q24.1.
Variant type: single nucleotide variant.
Coding change: c.3533C>T on transcript NM_005477.3 (MANE Select); coding-DNA position 3533, C replaced by T.
Protein change: p.Pro1178Leu; replaces proline 1178 with leucine.
Molecular consequence: missense variant.
Genome position (GRCh38, 1-based): chr15:73,322,560, G>A on the plus strand (C>T on the coding strand, the complement: HCN4 is on the minus strand). VCF-style: chr15-73322560-G-A. GRCh37 (hg19) VCF-style: chr15-73614901-G-A.
Other names: short protein forms P1178L.
Identifiers: ClinVar variation 1040816 (VCV001040816.6), dbSNP rs2042866287, ClinGen allele CA393084972.

ClinVar aggregate classification (germline): Uncertain significance (1 of 4 stars; one submission).

Conditions:
Brugada syndrome 8 (BRGDA8). Identifiers: Orphanet 130, MedGen C2751083, MONDO:0013148, OMIM 613123.

Allele frequency attached by ClinVar (database versions not stated): gnomAD exomes below 0.00001.
gnomAD v4.1: 4 of 1,607,846 alleles (0.00025%); highest among the groups gnomAD compares: African/African-American, 0.0013%; no homozygotes.

Submission:

Labcorp Genetics (formerly Invitae), Labcorp
Classification: Uncertain significance for Brugada syndrome 8. Last evaluated: 2023-07-28. Review status: criteria provided, single submitter. Criteria: Invitae Variant Classification Sherloc (09022015). Collection method: clinical testing. Allele origin: germline.
Comment: This sequence change replaces proline, which is neutral and non-polar, with leucine, which is neutral and non-polar, at codon 1178 of the HCN4 protein (p.Pro1178Leu). This variant is not present in population databases (gnomAD no frequency). This variant has not been reported in the literature in individuals affected with HCN4-related conditions. ClinVar contains an entry for this variant (Variation ID: 1040816). Advanced modeling of protein sequence and biophysical properties (such as structural, functional, and spatial information, amino acid conservation, physicochemical variation, residue mobility, and thermodynamic stability) performed at Invitae indicates that this missense variant is not expected to disrupt HCN4 protein function. In summary, the available evidence is currently insufficient to determine the role of this variant in disease. Therefore, it has been classified as a Variant of Uncertain Significance.